The following is an entry in ClinVar:

NM_016333.4(SRRM2):c.1051A>C (p.Ser351Arg)

Gene: SRRM2 (serine/arginine repetitive matrix 2; plus strand). Cytogenetic location: 16p13.3.
Variant type: single nucleotide variant.
Coding change: c.1051A>C on transcript NM_016333.4 (MANE Select); coding-DNA position 1051, A replaced by C.
Protein change: p.Ser351Arg; replaces serine 351 with arginine.
Molecular consequence: missense variant.
Genome position (GRCh38, 1-based): chr16:2,761,579, A>C. VCF-style: chr16-2761579-A-C. GRCh37 (hg19) VCF-style: chr16-2811580-A-C.
Other names: short protein forms S351R.
Identifiers: ClinVar variation 4990010 (VCV004990010.1).
Genomic context (GRCh38, chr16:2,761,579, plus strand): 5'-GCGTTTATGAATCCCTATCCCTGCTCTCTCTTCCACTCTTAGAAATCTGCAACTCGACCT[A>C]GCCCCTCTCCGGAAAGGAGCAGCACAGGCCCAGAACCACCTGCTCCCACTCCGCTCCTTG-3'
Protein context (NP_057417.3, residues 341-361): DKKEKSATRP[Ser351Arg]PSPERSSTGP

ClinVar aggregate classification (germline): Uncertain significance (1 of 4 stars; one submission).

Conditions:
SRRM2-related disorder. Also called: SRRM2-related condition.

Submission:

PreventionGenetics, part of Exact Sciences
Classification: Uncertain significance for SRRM2-related condition. Last evaluated: 2026-05-15. Review status: criteria provided, single submitter. Criteria: ACMG Guidelines, 2015. Collection method: clinical testing. Allele origin: germline.
Comment: The SRRM2 c.1051A>C variant is predicted to result in the amino acid substitution p.Ser351Arg. To our knowledge, this variant has not been reported in the literature or in a large population database (gnomAD), indicating this variant is rare. At this time, the clinical significance of this variant is uncertain due to the absence of conclusive functional and genetic evidence.